The following is an entry in ClinVar:

NM_004736.4(XPR1):c.*3T>A

Gene: XPR1 (xenotropic and polytropic retrovirus receptor 1; plus strand). Cytogenetic location: 1q25.3.
Variant type: single nucleotide variant.
Coding change: c.*3T>A on transcript NM_004736.4 (MANE Select); 3 bases downstream of the stop codon, T replaced by A.
Molecular consequence: 3 prime UTR variant. On other transcripts: non-coding transcript variant (1).
Genome position (GRCh38, 1-based): chr1:180,884,069, T>A. VCF-style: chr1-180884069-T-A. GRCh37 (hg19) VCF-style: chr1-180853205-T-A.
Other names: c.*3T>A (NM_001135669.2).
Identifiers: ClinVar variation 3375290 (VCV003375290.1).
Genomic context (GRCh38, chr1:180,884,069, plus strand): 5'-CAAGGCTCGTGACACTAAGGTATTGATAGAAGACACAGATGATGAAGCTAACACTTGAAT[T>A]TTCTGAAGTCTAGCTTAACATCTTTGGTTTTCCTACTCTACAATCCTTTCCTCGACCAAC-3'

ClinVar aggregate classification (germline): Uncertain significance (1 of 4 stars; one submission).

gnomAD v4.1: 29 of 1,613,880 alleles (0.0018%); highest among the groups gnomAD compares: Non-Finnish European, 0.0025%; no homozygotes.

Submission:

Women's Health and Genetics/Laboratory Corporation of America, LabCorp
Classification: Uncertain significance. Last evaluated: 2024-09-23. Review status: criteria provided, single submitter. Criteria: LabCorp Variant Classification Summary - May 2015. Collection method: clinical testing. Allele origin: germline.
Comment: Variant summary: XPR1 c.*3T>A is located in the untranslated mRNA region downstream of the termination codon. The variant allele was found at a frequency of 4e-06 in 251126 control chromosomes. The available data on variant occurrences in the general population are insufficient to allow any conclusion about variant significance. To our knowledge, no occurrence of c.*3T>A in individuals affected with Basal Ganglia Calcification, Idiopathic, 6 and no experimental evidence demonstrating its impact on protein function have been reported. No submitters have cited clinical-significance assessments for this variant to ClinVar. Based on the evidence outlined above, the variant was classified as uncertain significance.